The following is an entry in ClinVar:

NM_014862.4(ARNT2):c.1707G>T (p.Gln569His)

Genes: ARNT2 (aryl hydrocarbon receptor nuclear translocator 2; plus strand), ARNT2-AS1 (ARNT2 antisense RNA 1; minus strand). Cytogenetic location: 15q25.1.
Variant type: single nucleotide variant.
Coding change: c.1707G>T on transcript NM_014862.4 (MANE Select); coding-DNA position 1707, G replaced by T.
Protein change: p.Gln569His; replaces glutamine 569 with histidine.
Molecular consequence: missense variant.
Genome position (GRCh38, 1-based): chr15:80,580,504, G>T. VCF-style: chr15-80580504-G-T. GRCh37 (hg19) VCF-style: chr15-80872845-G-T.
Other names: short protein forms Q569H.
Identifiers: ClinVar variation 791642 (VCV000791642.28), dbSNP rs145379118, ClinGen allele CA7692114.

ClinVar aggregate classification (germline): Likely benign. Review status: criteria provided, multiple submitters, no conflicts (2 of 4 stars). 6 submissions from 6 submitters: Likely benign (3). 3 of the submissions do not count toward it. Last evaluated 2026-09-01.

Conditions:
ARNT2-related disorder. Also called: ARNT2-related condition.

Allele frequency attached by ClinVar (database versions not stated): 1000 Genomes Project 0.00140; 1000 Genomes Project 30x 0.00172; gnomAD 0.00312 and 0.00324; ExAC 0.00328; gnomAD exomes 0.00335 and 0.00482; TOPMed 0.00376; ESP Exome Variant Server 0.00507.
gnomAD v4.1: 7,484 of 1,614,162 alleles (0.46%); highest among the groups gnomAD compares: Middle Eastern, 0.58%; 23 homozygotes.

Submissions (6):

CeGaT Center for Human Genetics Tuebingen
Classification: Likely benign. Last evaluated: 2026-09-01. Review status: criteria provided, single submitter. Criteria: CeGaT Center For Human Genetics Tuebingen Variant Classification Criteria Version 2. Collection method: clinical testing. Allele origin: germline. Affected: yes. Observed: 6 variant alleles.
Comment: ARNT2: BP4, BS2

Labcorp Genetics (formerly Invitae), Labcorp
Classification: Likely benign. Last evaluated: 2026-02-02. Review status: criteria provided, single submitter. Criteria: Invitae Variant Classification Sherloc (09022015). Collection method: clinical testing. Allele origin: germline.

Breakthrough Genomics
Classification: Likely benign. Review status: criteria provided, single submitter. Criteria: ACMG Guidelines, 2015. Collection method: not provided. Allele origin: germline. Inheritance: Autosomal recessive inheritance. Affected: yes.

PreventionGenetics, part of Exact Sciences
Classification: Likely benign for ARNT2-related condition. Last evaluated: 2022-08-29. Review status: no assertion criteria provided. Collection method: clinical testing. Allele origin: germline. Not counted in ClinVar's aggregate classification.
Comment: This variant is classified as likely benign based on ACMG/AMP sequence variant interpretation guidelines (Richards et al. 2015 PMID: 25741868, with internal and published modifications).

Clinical Genetics DNA and cytogenetics Diagnostics Lab, Erasmus MC, Erasmus Medical Center
Classification: Uncertain significance. Review status: no assertion criteria provided. Collection method: clinical testing. Allele origin: germline. Affected: yes. Study: VKGL Data-share Consensus. Not counted in ClinVar's aggregate classification.

Clinical Genetics, Academic Medical Center
Classification: Uncertain significance. Review status: no assertion criteria provided. Collection method: clinical testing. Allele origin: germline. Affected: yes. Study: VKGL Data-share Consensus. Not counted in ClinVar's aggregate classification.